The following is an entry in ClinVar:

NM_001323289.2(CDKL5):c.1076del (p.Gly359fs)

Gene: CDKL5 (cyclin dependent kinase like 5; plus strand). Cytogenetic location: Xp22.13.
Variant type: Deletion.
Coding change: c.1076del on transcript NM_001323289.2 (MANE Select); coding-DNA position 1076, one base deleted (G; older notation c.1076delG).
Protein change: p.Gly359fs; shifts the reading frame from glycine 359.
Molecular consequence: frameshift variant.
Genome position (GRCh38, 1-based): chrX:18,604,000, G deleted; the last of 2 consecutive G bases (chrX:18,603,999-18,604,000); deleting either gives the same sequence. VCF-style (leftmost placement, unchanged base first): chrX-18603998-AG-A. GRCh37 (hg19) VCF-style: chrX-18622118-AG-A.
Other names: NM_003159.3:c.1076del; c.1076del, p.Gly359fs (NM_001037343.2, NM_003159.3); short protein forms G359fs.
Identifiers: ClinVar variation 3602057 (VCV003602057.1).

ClinVar aggregate classification (germline): Likely pathogenic (1 of 4 stars; one submission).

Conditions:
CDKL5 disorder. Identifiers: MedGen CN296942, MONDO:0100039.

Submission:

Centre for Population Genomics, CPG
Classification: Likely pathogenic for CDKL5 disorder. Last evaluated: 2025-01-13. Review status: criteria provided, single submitter. Criteria: McKnight et al. (Hum Mutat. 2022). Collection method: curation. Allele origin: germline. Inheritance: X-linked inheritance.
Comment: Based on the classification scheme defined by the ClinGen Rett/Angelman-like Expert Panel for Rett/AS-like Disorders Specifications to the ACMG/AMP Variant Interpretation Guidelines VCEP 3.0, this variant is classified as likely pathogenic. At least the following criteria are met: Predicted to result in loss of function, and LOF is a known mechanism of disease (PVS1).This variant is absent from gnomAD (PM2_Supporting).